The following is an entry in ClinVar:

ClinVar aggregate classification (germline): Uncertain significance. Review status: criteria provided, multiple submitters, no conflicts (2 of 4 stars). 3 submissions from 3 submitters: Uncertain significance (3). Last evaluated 2025-04-19.

Conditions:
Melnick-Fraser syndrome (BOR). Also called: Branchiootorenal syndrome; Branchio-oto-renal syndrome; Branchiootorenal Syndrome (BORS). Identifiers: Orphanet 107, MedGen C0265234, MONDO:0007029.
Inborn genetic diseases. Identifiers: MedGen C0950123, MeSH D030342.

Allele frequency attached by ClinVar (database versions not stated): gnomAD exomes below 0.00001 and 0.00001; TOPMed below 0.00001; gnomAD 0.00001.
gnomAD v4.1: 8 of 1,613,958 alleles (0.0005%); highest among the groups gnomAD compares: Non-Finnish European, 0.00068%; no homozygotes.

Submissions (3):

Labcorp Genetics (formerly Invitae), Labcorp
Classification: Uncertain significance for Melnick-Fraser syndrome. Last evaluated: 2025-04-19. Review status: criteria provided, single submitter. Criteria: Invitae Variant Classification Sherloc (09022015). Collection method: clinical testing. Allele origin: germline.
Comment: This sequence change replaces alanine, which is neutral and non-polar, with threonine, which is neutral and polar, at codon 463 of the EYA1 protein (p.Ala463Thr). This variant is present in population databases (no rsID available, gnomAD 0.0009%). This variant has not been reported in the literature in individuals affected with EYA1-related conditions. ClinVar contains an entry for this variant (Variation ID: 1350639). Invitae Evidence Modeling of protein sequence and biophysical properties (such as structural, functional, and spatial information, amino acid conservation, physicochemical variation, residue mobility, and thermodynamic stability) indicates that this missense variant is not expected to disrupt EYA1 protein function with a negative predictive value of 95%. In summary, the available evidence is currently insufficient to determine the role of this variant in disease. Therefore, it has been classified as a Variant of Uncertain Significance.

Ambry Genetics
Classification: Uncertain significance for Inborn genetic diseases. Last evaluated: 2025-03-20. Review status: criteria provided, single submitter. Criteria: Ambry Variant Classification Scheme 2023. Collection method: clinical testing. Allele origin: germline.

Blueprint Genetics
Classification: Uncertain significance. Last evaluated: 2024-03-20. Review status: criteria provided, single submitter. Criteria: ACMG Guidelines, 2015. Collection method: clinical testing. Allele origin: germline.

NM_000503.6(EYA1):c.1387G>A (p.Ala463Thr)

Gene: EYA1 (EYA transcriptional coactivator and phosphatase 1; minus strand). Cytogenetic location: 8q13.3.
Variant type: single nucleotide variant.
Coding change: c.1387G>A on transcript NM_000503.6 (MANE Select); coding-DNA position 1387, G replaced by A.
Protein change: p.Ala463Thr; replaces alanine 463 with threonine.
Molecular consequence: missense variant.
Genome position (GRCh38, 1-based): chr8:71,215,702, C>T on the plus strand (G>A on the coding strand, the complement: EYA1 is on the minus strand). VCF-style: chr8-71215702-C-T. GRCh37 (hg19) VCF-style: chr8-72127937-C-T.
Other names: c.1387G>A (NM_000503.4); c.1369G>A, p.Ala457Thr (NM_001288574.2, NM_172059.5); c.1021G>A, p.Ala341Thr (NM_001288575.2); c.1474G>A, p.Ala492Thr (NM_001370333.1); c.1387G>A, p.Ala463Thr (NM_001370334.1, NM_001370335.1, NM_172058.4); c.1366G>A, p.Ala456Thr (NM_001370336.1); short protein forms A456T, A457T, A463T, A341T, A492T.
Identifiers: ClinVar variation 1350639 (VCV001350639.9), dbSNP rs1263352919, ClinGen allele CA371466501.